The following is an entry in ClinVar:

NM_001042492.3(NF1):c.3683C>T (p.Ala1228Val)

Gene: NF1 (neurofibromin 1; plus strand). Cytogenetic location: 17q11.2.
Variant type: single nucleotide variant.
Coding change: c.3683C>T on transcript NM_001042492.3 (MANE Select); coding-DNA position 3683, C replaced by T.
Protein change: p.Ala1228Val; replaces alanine 1228 with valine.
Molecular consequence: missense variant.
Genome position (GRCh38, 1-based): chr17:31,233,188, C>T. VCF-style: chr17-31233188-C-T. GRCh37 (hg19) VCF-style: chr17-29560206-C-T.
Other names: c.3683C>T, p.Ala1228Val (NM_000267.4); short protein forms A1228V.
Identifiers: ClinVar variation 404514 (VCV000404514.11), dbSNP rs1060500315, ClinGen allele CA16615230.

ClinVar aggregate classification (germline): Uncertain significance. Review status: criteria provided, multiple submitters, no conflicts (2 of 4 stars). 4 submissions from 4 submitters: Uncertain significance (4). Last evaluated 2024-04-26.

Conditions:
Cardiovascular phenotype. Identifiers: MedGen CN230736.
Hereditary cancer-predisposing syndrome. Also called: Neoplastic Syndromes, Hereditary; Tumor predisposition; Hereditary Cancer Syndrome; Hereditary neoplastic syndrome. Identifiers: Orphanet 140162, MedGen C0027672, MeSH D009386, MONDO:0015356.
Neurofibromatosis, type 1 (NF1). Also called: VON RECKLINGHAUSEN DISEASE; NEUROFIBROMATOSIS, TYPE I, SOMATIC; Peripheral type neurofibromatosis; Neurofibromatosis, type I. Identifiers: Orphanet 636, MedGen C0027831, MONDO:0018975, OMIM 162200. Disease mechanism: loss of function.

Allele frequency attached by ClinVar (database versions not stated): gnomAD exomes below 0.00001.
gnomAD v4.1: 2 of 1,614,078 alleles (0.00012%); highest among the groups gnomAD compares: Non-Finnish European, 0.00017%; no homozygotes.

Submissions (4):

Labcorp Genetics (formerly Invitae), Labcorp
Classification: Uncertain significance for Neurofibromatosis, type 1. Last evaluated: 2024-04-26. Review status: criteria provided, single submitter. Criteria: Invitae Variant Classification Sherloc (09022015). Collection method: clinical testing. Allele origin: germline.
Comment: This sequence change replaces alanine, which is neutral and non-polar, with valine, which is neutral and non-polar, at codon 1228 of the NF1 protein (p.Ala1228Val). This variant is present in population databases (no rsID available, gnomAD 0.0009%). This variant has not been reported in the literature in individuals affected with NF1-related conditions. ClinVar contains an entry for this variant (Variation ID: 404514). Advanced modeling of protein sequence and biophysical properties (such as structural, functional, and spatial information, amino acid conservation, physicochemical variation, residue mobility, and thermodynamic stability) performed at Invitae indicates that this missense variant is expected to disrupt NF1 protein function with a positive predictive value of 95%. In summary, the available evidence is currently insufficient to determine the role of this variant in disease. Therefore, it has been classified as a Variant of Uncertain Significance.

Ambry Genetics
Classification: Uncertain significance for Cardiovascular phenotype; Hereditary cancer-predisposing syndrome. Last evaluated: 2022-03-25. Review status: criteria provided, single submitter. Criteria: Ambry Variant Classification Scheme 2023. Collection method: clinical testing. Allele origin: germline.
Comment: The p.A1228V variant (also known as c.3683C>T), located in coding exon 27 of the NF1 gene, results from a C to T substitution at nucleotide position 3683. The alanine at codon 1228 is replaced by valine, an amino acid with similar properties. This amino acid position is highly conserved in available vertebrate species. In addition, this alteration is predicted to be deleterious by in silico analysis. Since supporting evidence is limited at this time, the clinical significance of this alteration remains unclear.

Genome-Nilou Lab
Classification: Uncertain significance for Neurofibromatosis, type 1. Last evaluated: 2022-03-15. Review status: criteria provided, single submitter. Criteria: ACMG Guidelines, 2015. Collection method: clinical testing. Allele origin: germline. Affected: no.

Blueprint Genetics
Classification: Uncertain significance. Last evaluated: 2019-06-28. Review status: criteria provided, single submitter. Criteria: ACMG Guidelines, 2015. Collection method: clinical testing. Allele origin: germline.